The following is an entry in ClinVar:

NM_001330311.2(DVL1):c.445C>G (p.Arg149Gly)

Gene: DVL1 (dishevelled segment polarity protein 1; minus strand). Cytogenetic location: 1p36.33.
Variant type: single nucleotide variant.
Coding change: c.445C>G on transcript NM_001330311.2 (MANE Select); coding-DNA position 445, C replaced by G.
Protein change: p.Arg149Gly; replaces arginine 149 with glycine.
Molecular consequence: missense variant.
Genome position (GRCh38, 1-based): chr1:1,342,074, G>C on the plus strand (C>G on the coding strand, the complement: DVL1 is on the minus strand). VCF-style: chr1-1342074-G-C. GRCh37 (hg19) VCF-style: chr1-1277454-G-C.
Other names: c.445C>G, p.Arg149Gly (NM_004421.3); short protein forms R149G.
Identifiers: ClinVar variation 4691543 (VCV004691543.1).
Genomic context (GRCh38, chr1:1,342,074, plus strand): 5'-GGCTGGGGGTCCACAGCTGGGCAGACATGACCACTGTACCCTCCTCGCGGTTCCGGCGTC[G>C]GGCACGCTCCCGCCGGTGACTGACCATGGACTCCGTGCCTGTCTCGTTGTCCATCCCGTC-3'
Protein context (NP_001317240.1, residues 139-159): SMVSHRRERA[Arg149Gly]RRNREEAART

ClinVar aggregate classification (germline): Uncertain significance (1 of 4 stars; one submission).

gnomAD v4.1: 7 of 1,585,328 alleles (0.00044%); highest among the groups gnomAD compares: Non-Finnish European, 0.000086%; no homozygotes.

Submission:

Labcorp Genetics (formerly Invitae), Labcorp
Classification: Uncertain significance. Last evaluated: 2025-06-28. Review status: criteria provided, single submitter. Criteria: Invitae Variant Classification Sherloc (09022015). Collection method: clinical testing. Allele origin: germline.
Comment: This sequence change replaces arginine, which is basic and polar, with glycine, which is neutral and non-polar, at codon 149 of the DVL1 protein (p.Arg149Gly). The frequency data for this variant in the population databases is considered unreliable, as metrics indicate poor data quality at this position in the gnomAD database. This variant has not been reported in the literature in individuals affected with DVL1-related conditions. Invitae Evidence Modeling of protein sequence and biophysical properties (such as structural, functional, and spatial information, amino acid conservation, physicochemical variation, residue mobility, and thermodynamic stability) indicates that this missense variant is not expected to disrupt DVL1 protein function with a negative predictive value of 80%. In summary, the available evidence is currently insufficient to determine the role of this variant in disease. Therefore, it has been classified as a Variant of Uncertain Significance.